The following is an entry in ClinVar:

NM_152383.5(DIS3L2):c.2020T>C (p.Tyr674His)

Gene: DIS3L2 (DIS3 like 3'-5' exoribonuclease 2; plus strand). Cytogenetic location: 2q37.1.
Variant type: single nucleotide variant.
Coding change: c.2020T>C on transcript NM_152383.5 (MANE Select); coding-DNA position 2020, T replaced by C.
Protein change: p.Tyr674His; replaces tyrosine 674 with histidine.
Molecular consequence: missense variant. On other transcripts: non-coding transcript variant (2), intron variant (1).
Genome position (GRCh38, 1-based): chr2:232,333,849, T>C. VCF-style: chr2-232333849-T-C. GRCh37 (hg19) VCF-style: chr2-233198559-T-C.
Other names: c.1582-9496T>C (NM_001257281.2); short protein forms Y674H.
Identifiers: ClinVar variation 572850 (VCV000572850.8), dbSNP rs1559219089, ClinGen allele CA350977309.
Genomic context (GRCh38, chr2:232,333,849, plus strand): 5'-CTGGCTGGGCAGCTCTGGGCTTGTCAGGCTCTGACCCATCCCGTCCCGCAGATGGCACTG[T>C]ACTTCTGCTCGGGGCTGCTGCAGGACCCAGCGCAGTTCCGGCACTACGCGCTCAATGTGC-3'
Protein context (NP_689596.4, residues 664-684): MCSRPMQMAL[Tyr674His]FCSGLLQDPA

ClinVar aggregate classification (germline): Uncertain significance (1 of 4 stars; one submission).

Conditions:
Perlman syndrome (PRLMNS). Identifiers: Orphanet 2849, MedGen C0796113, MONDO:0009965, OMIM 267000.

Submission:

Labcorp Genetics (formerly Invitae), Labcorp
Classification: Uncertain significance for Perlman syndrome. Last evaluated: 2018-02-06. Review status: criteria provided, single submitter. Criteria: Invitae Variant Classification Sherloc (09022015). Collection method: clinical testing. Allele origin: germline.
Comment: In summary, the available evidence is currently insufficient to determine the role of this variant in disease. Therefore, it has been classified as a Variant of Uncertain Significance. Algorithms developed to predict the effect of missense changes on protein structure and function (SIFT, PolyPhen-2, Align-GVGD) all suggest that this variant is likely to be disruptive, but these predictions have not been confirmed by published functional studies and their clinical significance is uncertain. This variant has not been reported in the literature in individuals with DIS3L2-related disease. This variant is not present in population databases (ExAC no frequency). This sequence change replaces tyrosine with histidine at codon 674 of the DIS3L2 protein (p.Tyr674His). The tyrosine residue is highly conserved and there is a moderate physicochemical difference between tyrosine and histidine.